The following is an entry in ClinVar:

NM_003480.4(MFAP5):c.88C>T (p.Arg30Ter)

Gene: MFAP5 (microfibril associated protein 5; minus strand). Cytogenetic location: 12p13.31.
Variant type: single nucleotide variant.
Coding change: c.88C>T on transcript NM_003480.4 (MANE Select); coding-DNA position 88, C replaced by T.
Protein change: p.Arg30Ter; replaces arginine 30 with a stop codon.
Molecular consequence: nonsense. On other transcripts: non-coding transcript variant (2), intron variant (1).
Genome position (GRCh38, 1-based): chr12:8,660,869, G>A on the plus strand (C>T on the coding strand, the complement: MFAP5 is on the minus strand). VCF-style: chr12-8660869-G-A. GRCh37 (hg19) VCF-style: chr12-8813465-G-A.
Other names: c.88C>T, p.Arg30Ter (NM_001297709.2, NM_001297711.2, NM_001297712.2); c.58+1178C>T (NM_001297710.2); short protein forms R30*.
Identifiers: ClinVar variation 806830 (VCV000806830.45), dbSNP rs962247688, ClinGen allele CA232307074.

ClinVar aggregate classification (germline): Conflicting classifications of pathogenicity. Review status: criteria provided, conflicting classifications (1 of 4 stars). 3 submissions from 3 submitters: Likely pathogenic (1); Uncertain significance (2). Last evaluated 2026-08-06.

Conditions:
Aortic aneurysm, familial thoracic 9 (AAT9). Identifiers: MedGen C4015368, MONDO:0014514, OMIM 616166.

Allele frequency attached by ClinVar (database versions not stated): gnomAD exomes 0.00001; gnomAD 0.00003.
gnomAD v4.1: 13 of 1,611,520 alleles (0.00081%); highest among the groups gnomAD compares: East Asian, 0.0067%; no homozygotes.

Submissions (3):

OLLIN Analises Genomicas, OLLIN
Classification: Uncertain significance for Aortic aneurysm, familial thoracic 9. Last evaluated: 2026-08-06. Review status: criteria provided, single submitter. Criteria: ACMG Guidelines 2015 PMID 25741868. Collection method: clinical testing. Allele origin: germline.
Comment: This nonsense variant, located in exon 3 (of 10), has been reported in ClinVar (accession VCV002798299.3) and in gnomAD with an allele frequency of 0.000807%. However, to our knowledge, it has not been reported in the scientific literature. This variant introduces a premature stop codon, which is predicted to result in either a truncated protein or degradation of the mRNA via nonsense-mediated decay (NMD). According to the currently available evidence, this variant has been classified as uncertain significance (PVS1_P).

Labcorp Genetics (formerly Invitae), Labcorp
Classification: Uncertain significance. Last evaluated: 2025-02-07. Review status: criteria provided, single submitter. Criteria: Invitae Variant Classification Sherloc (09022015). Collection method: clinical testing. Allele origin: germline.
Comment: This sequence change creates a premature translational stop signal (p.Arg30*) in the MFAP5 gene. It is expected to result in an absent or disrupted protein product. However, the current clinical and genetic evidence is not sufficient to establish whether loss-of-function variants in MFAP5 cause disease. The frequency data for this variant in the population databases is considered unreliable, as metrics indicate poor data quality at this position in the gnomAD database. This premature translational stop signal has been observed in individual(s) with thoracic aortic aneurysm (internal data). ClinVar contains an entry for this variant (Variation ID: 806830). In summary, the available evidence is currently insufficient to determine the role of this variant in disease. Therefore, it has been classified as a Variant of Uncertain Significance.

CeGaT Center for Human Genetics Tuebingen
Classification: Likely pathogenic. Last evaluated: 2016-11-01. Review status: criteria provided, single submitter. Criteria: CeGaT Center For Human Genetics Tuebingen Variant Classification Criteria Version 2. Collection method: clinical testing. Allele origin: germline. Affected: yes. Observed: 1 variant allele.